The following is an entry in ClinVar:

NM_018489.3(ASH1L):c.1590G>A (p.Pro530=)

Gene: ASH1L (ASH1 like histone lysine methyltransferase; minus strand). Cytogenetic location: 1q22.
Variant type: single nucleotide variant.
Coding change: c.1590G>A on transcript NM_018489.3 (MANE Select); coding-DNA position 1590, G replaced by A.
Protein change: p.Pro530=; no amino-acid change (proline 530 retained).
Molecular consequence: synonymous variant.
Genome position (GRCh38, 1-based): chr1:155,481,280, C>T on the plus strand (G>A on the coding strand, the complement: ASH1L is on the minus strand). VCF-style: chr1-155481280-C-T. GRCh37 (hg19) VCF-style: chr1-155451071-C-T.
Other names: c.1590G>A, p.Pro530= (NM_001366177.2).
Identifiers: ClinVar variation 4984243 (VCV004984243.1).

ClinVar aggregate classification (germline): Likely benign (1 of 4 stars; one submission).

Conditions:
ASH1L-related disorder. Also called: ASH1L-related condition.

gnomAD v4.1: 114 of 1,614,052 alleles (0.0071%); highest among the groups gnomAD compares: Middle Eastern, 0.083%; no homozygotes.

Submission:

PreventionGenetics, part of Exact Sciences
Classification: Likely benign for ASH1L-related condition. Last evaluated: 2025-03-26. Review status: criteria provided, single submitter. Criteria: ACMG Guidelines, 2015. Collection method: clinical testing. Allele origin: germline.
Comment: This variant is classified as likely benign based on ACMG/AMP sequence variant interpretation guidelines (Richards et al. 2015 PMID: 25741868, with internal and published modifications).